The following is an entry in ClinVar:

ClinVar aggregate classification (germline): Uncertain significance (1 of 4 stars; one submission).

Allele frequency attached by ClinVar (database versions not stated): TOPMed below 0.00001; gnomAD 0.00001; gnomAD exomes 0.00001.

Submission:

Labcorp Genetics (formerly Invitae), Labcorp
Classification: Uncertain significance. Last evaluated: 2022-06-06. Review status: criteria provided, single submitter. Criteria: Invitae Variant Classification Sherloc (09022015). Collection method: clinical testing. Allele origin: germline.
Comment: This sequence change replaces arginine, which is basic and polar, with histidine, which is basic and polar, at codon 246 of the ASNS protein (p.Arg246His). This variant is present in population databases (no rsID available, gnomAD 0.006%). This variant has not been reported in the literature in individuals affected with ASNS-related conditions. Advanced modeling of protein sequence and biophysical properties (such as structural, functional, and spatial information, amino acid conservation, physicochemical variation, residue mobility, and thermodynamic stability) performed at Invitae indicates that this missense variant is expected to disrupt ASNS protein function. In summary, the available evidence is currently insufficient to determine the role of this variant in disease. Therefore, it has been classified as a Variant of Uncertain Significance.

NM_001673.5(ASNS):c.737G>A (p.Arg246His)

Genes: ASNS (asparagine synthetase (glutamine-hydrolyzing); minus strand), CZ1P-ASNS (CZ1P-ASNS readthrough; minus strand). Cytogenetic location: 7q21.3.
Variant type: single nucleotide variant.
Coding change: c.737G>A on transcript NM_001673.5 (MANE Select); coding-DNA position 737, G replaced by A.
Protein change: p.Arg246His; replaces arginine 246 with histidine.
Molecular consequence: missense variant. On other transcripts: non-coding transcript variant (1).
Genome position (GRCh38, 1-based): chr7:97,858,892, C>T on the plus strand (G>A on the coding strand, the complement: ASNS is on the minus strand). VCF-style: chr7-97858892-C-T. GRCh37 (hg19) VCF-style: chr7-97488204-C-T.
Other names: c.674G>A, p.Arg225His (NM_001178075.2); c.488G>A, p.Arg163His (NM_001178076.2, NM_001178077.1); c.737G>A, p.Arg246His (NM_001352496.2, NM_133436.3, NM_183356.4); short protein forms R163H, R225H, R246H.
Identifiers: ClinVar variation 1896079 (VCV001896079.2), dbSNP rs1361096893, ClinGen allele CA368268469.
Genomic context (GRCh38, chr7:97,858,892, plus strand): 5'-AGGTTTTTTTAATTGACTTCACCTGATAAAAGGCAGCCAATCCTTCTGTCTGTCATCAAA[C>T]GTTTCTTTACAGCATTATTAAAAAGGATCCTGAGGTTGTTCTTCACAGTTTCTATCTCAA-3'
Protein context (NP_001664.3, residues 236-256): RILFNNAVKK[Arg246His]LMTDRRIGCL